The following is an entry in ClinVar:

ClinVar aggregate classification (germline): Pathogenic/Likely pathogenic. Review status: criteria provided, multiple submitters, no conflicts (2 of 4 stars). 7 submissions from 7 submitters: Pathogenic (4); Likely pathogenic (1). 2 of the submissions do not count toward it. Last evaluated 2025-07-23.

Conditions:
PEX12-related disorder. Also called: PEX12-related condition; PEX12-related disorders.
Peroxisome biogenesis disorder type 3B. Identifiers: Orphanet 44, Orphanet 772, MedGen C3550693, MONDO:0009959, OMIM 266510.
Peroxisome biogenesis disorder 3A (Zellweger). Also called: PEROXISOMAL BIOGENESIS DISORDER 3A (ZELLWEGER); Peroxisome biogenesis disorder 3A. Identifiers: Orphanet 912, MedGen C3553929, MONDO:0013927, OMIM 614859.

Submissions (7):

Labcorp Genetics (formerly Invitae), Labcorp
Classification: Pathogenic for Peroxisome biogenesis disorder 3A (Zellweger). Last evaluated: 2025-07-23. Review status: criteria provided, single submitter. Criteria: Invitae Variant Classification Sherloc (09022015). Collection method: clinical testing. Allele origin: germline.
Comment: This sequence change creates a premature translational stop signal (p.Met300*) in the PEX12 gene. While this is not anticipated to result in nonsense mediated decay, it is expected to disrupt the last 60 amino acid(s) of the PEX12 protein. This variant is not present in population databases (gnomAD no frequency). This premature translational stop signal has been observed in individual(s) with clinical features of PEX12-related conditions (PMID: 27763634). ClinVar contains an entry for this variant (Variation ID: 92777). This variant disrupts a region of the PEX12 protein in which other variant(s) (p.Glu347Serfs*6) have been determined to be pathogenic (internal data). This suggests that this is a clinically significant region of the protein, and that variants that disrupt it are likely to be disease-causing. For these reasons, this variant has been classified as Pathogenic.

Fulgent Genetics
Classification: Likely pathogenic for Peroxisome biogenesis disorder type 3B; Peroxisome biogenesis disorder 3A (Zellweger). Last evaluated: 2024-06-06. Review status: criteria provided, single submitter. Criteria: ACMG Guidelines, 2015. Collection method: clinical testing. Allele origin: germline.

Baylor Genetics
Classification: Pathogenic for Peroxisome biogenesis disorder 3A (Zellweger). Last evaluated: 2024-03-23. Review status: criteria provided, single submitter. Criteria: ACMG Guidelines, 2015. Collection method: clinical testing. Allele origin: unknown.

GeneDx
Classification: Pathogenic. Last evaluated: 2015-12-17. Review status: criteria provided, single submitter. Criteria: GeneDx Variant Classification (06012015). Collection method: clinical testing. Allele origin: germline. Affected: yes.
Comment: The c.894delC pathogenic variant in the PEX12 gene has not been reported previously as a pathogenic variant nor as a benign variant, to our knowledge. This variant replaces the Methionine residue at position 300 with a premature Stop codon, denoted p.Met300Ter. This variant is predicted to cause loss of normal protein function through protein truncation. The c.894delC variant was not observed in approximately 6500 individuals of European and African American ancestry in the NHLBI Exome Sequencing Project, indicating it is not a common variant in these populations. We interpret c.894delC as a pathogenic variant.

Eurofins Ntd Llc (ga)
Classification: Pathogenic. Last evaluated: 2013-11-14. Review status: criteria provided, single submitter. Criteria: EGL Classification Definitions 2015. Collection method: clinical testing. Allele origin: germline. Observed: 2 variant alleles, 2 heterozygotes.

PreventionGenetics, part of Exact Sciences
Classification: Pathogenic for PEX12-related condition. Last evaluated: 2024-08-15. Review status: no assertion criteria provided. Collection method: clinical testing. Allele origin: germline. Not counted in ClinVar's aggregate classification.
Comment: The PEX12 c.894delC variant is predicted to result in premature protein termination (p.Met300*). This variant was reported in the compound heterozygous state with another frameshift variant in an individual with Zellweger syndrome (Bhoj et al 2017. PubMed ID: 27763634). This variant has not been reported in a large population database, indicating this variant is rare. Premature termination variants in PEX12 are expected to be pathogenic. This variant is interpreted as pathogenic.

Counsyl
Classification: Likely pathogenic for Peroxisome biogenesis disorder type 3B; Peroxisome biogenesis disorder 3A (Zellweger). Last evaluated: 2017-10-25. Review status: no assertion criteria provided. Collection method: clinical testing. Allele origin: unknown. Not counted in ClinVar's aggregate classification.

Literature cited by the submitters: PubMed 27763634 (cited by Labcorp Genetics (formerly Invitae), Labcorp and Counsyl); PubMed 10837480 (cited by Counsyl); PubMed 11370741 (cited by Counsyl); PubMed 22471590 (cited by Counsyl); PubMed 10562279 (cited by Counsyl).

NM_000286.3(PEX12):c.894del (p.Lys299_Met300insTer)

Gene: PEX12 (peroxisomal biogenesis factor 12; minus strand). Cytogenetic location: 17q12.
Variant type: Deletion.
Coding change: c.894del on transcript NM_000286.3 (MANE Select); coding-DNA position 894, one base deleted (C; older notation c.894delC).
Protein change: p.Lys299_Met300insTer.
Molecular consequence: frameshift variant.
Genome position (GRCh38, 1-based): chr17:35,575,968, G deleted on the plus strand (C on the coding strand, the reverse complement: PEX12 is on the minus strand); the first of 3 consecutive G bases (chr17:35,575,968-35,575,970); deleting any one gives the same sequence. VCF-style (leftmost placement, unchanged base first): chr17-35575967-TG-T. GRCh37 (hg19) VCF-style: chr17-33902986-TG-T.
Identifiers: ClinVar variation 92777 (VCV000092777.16), dbSNP rs398123302, ClinGen allele CA220610.